The following is an entry in ClinVar:

NM_178554.6(KY):c.287A>G (p.His96Arg)

Genes: CEP63 (centrosomal protein 63; plus strand), KY (kyphoscoliosis peptidase; minus strand). Cytogenetic location: 3q22.2.
Variant type: single nucleotide variant.
Coding change: c.287A>G on transcript NM_178554.6 (MANE Select); coding-DNA position 287, A replaced by G.
Protein change: p.His96Arg; replaces histidine 96 with arginine.
Molecular consequence: missense variant.
Genome position (GRCh38, 1-based): chr3:134,629,671, T>C on the plus strand (A>G on the coding strand, the complement: KY is on the minus strand). VCF-style: chr3-134629671-T-C. GRCh37 (hg19) VCF-style: chr3-134348513-T-C.
Other names: c.224A>G, p.His75Arg (NM_001350859.2, NM_001366276.1); c.161A>G, p.His54Arg (NM_001350860.2); c.287A>G, p.His96Arg (NM_001366277.2); short protein forms H54R, H75R, H96R.
Identifiers: ClinVar variation 4074603 (VCV004074603.2).
Genomic context (GRCh38, chr3:134,629,671, plus strand): 5'-TCATACATACGTTTAGCCAAGGAGAACTTCTTGAGCAGCTGGGGCATGGCATCTCGAGGG[T>C]GGACTTCCACAGTCAGTTGTGTCCCTACAAAGGAAAAGGAGATGACATTCTCAACCAGAT-3'
Protein context (NP_848649.3, residues 86-106): SQGTQLTVEV[His96Arg]PRDAMPQLLK

ClinVar aggregate classification (germline): Uncertain significance (1 of 4 stars; one submission).

gnomAD v4.1: 1 of 1,597,174 alleles (0.000063%); highest among the groups gnomAD compares: Non-Finnish European, 0.000085%; no homozygotes.

Submission:

GeneDx
Classification: Uncertain significance. Last evaluated: 2025-10-10. Review status: criteria provided, single submitter. Criteria: GeneDx Variant Classification Process June 2021. Collection method: clinical testing. Allele origin: germline.
Comment: Has not been previously published as pathogenic or benign to our knowledge; Not observed at significant frequency in large population cohorts (gnomAD); In silico analysis suggests that this missense variant does not alter protein structure/function